The following is an entry in ClinVar:

NM_024513.4(FYCO1):c.3599G>A (p.Arg1200His)

Gene: FYCO1 (FYVE and coiled-coil domain autophagy adaptor 1; minus strand). Cytogenetic location: 3p21.31.
Variant type: single nucleotide variant.
Coding change: c.3599G>A on transcript NM_024513.4 (MANE Select); coding-DNA position 3599, G replaced by A.
Protein change: p.Arg1200His; replaces arginine 1200 with histidine.
Molecular consequence: missense variant.
Genome position (GRCh38, 1-based): chr3:45,958,608, C>T on the plus strand (G>A on the coding strand, the complement: FYCO1 is on the minus strand). VCF-style: chr3-45958608-C-T. GRCh37 (hg19) VCF-style: chr3-46000100-C-T.
Other names: c.3599G>A (NM_024513.2); short protein forms R1200H.
Identifiers: ClinVar variation 1010251 (VCV001010251.6), dbSNP rs775657304, ClinGen allele CA2352733.
Genomic context (GRCh38, chr3:45,958,608, plus strand): 5'-TCCTTTTTGCCACCGTGCTTGCTCAGGACGTAGTTGTTGCAGCAGTAGTAACAGAAGATG[C>T]GGCCACATATCCTGGGAACAAAACAAGCCCAGGCTGTGAGGATGACACACTATGATCTTG-3'
Protein context (NP_078789.2, residues 1190-1210): VRRHHCRICG[Arg1200His]IFCYYCCNNY

ClinVar aggregate classification (germline): Uncertain significance. Review status: criteria provided, multiple submitters, no conflicts (2 of 4 stars). 2 submissions from 2 submitters: Uncertain significance (2). Last evaluated 2025-08-02.

Conditions:
Inborn genetic diseases. Identifiers: MedGen C0950123, MeSH D030342.
Cataract 18 (CATC2). Also called: CATARACT 18, AUTOSOMAL RECESSIVE. Identifiers: Orphanet 91492, Orphanet 98991, Orphanet 98992, Orphanet 98995, MedGen C1864908, MONDO:0012395, OMIM 610019.

Allele frequency attached by ClinVar (database versions not stated): gnomAD 0.00001; gnomAD exomes 0.00002 and 0.00003; TOPMed 0.00002; ExAC 0.00005.
gnomAD v4.1: 25 of 1,613,986 alleles (0.0015%); highest among the groups gnomAD compares: South Asian, 0.0055%; no homozygotes.

Submissions (2):

Ambry Genetics
Classification: Uncertain significance for Inborn genetic diseases. Last evaluated: 2025-08-02. Review status: criteria provided, single submitter. Criteria: Ambry Variant Classification Scheme 2023. Collection method: clinical testing. Allele origin: germline.

Labcorp Genetics (formerly Invitae), Labcorp
Classification: Uncertain significance for Cataract 18. Last evaluated: 2020-10-19. Review status: criteria provided, single submitter. Criteria: Invitae Variant Classification Sherloc (09022015). Collection method: clinical testing. Allele origin: germline.
Comment: This variant has not been reported in the literature in individuals with FYCO1-related conditions. This variant is present in population databases (rs775657304, ExAC 0.01%). This sequence change replaces arginine with histidine at codon 1200 of the FYCO1 protein (p.Arg1200His). The arginine residue is highly conserved and there is a small physicochemical difference between arginine and histidine. In summary, the available evidence is currently insufficient to determine the role of this variant in disease. Therefore, it has been classified as a Variant of Uncertain Significance. Algorithms developed to predict the effect of missense changes on protein structure and function output the following: SIFT: "Deleterious"; PolyPhen-2: "Benign"; Align-GVGD: "Class C25". The histidine amino acid residue is found in multiple mammalian species, suggesting that this missense change does not adversely affect protein function. These predictions have not been confirmed by published functional studies and their clinical significance is uncertain.